The following is an entry in ClinVar:

ClinVar aggregate classification (germline): Uncertain significance (1 of 4 stars; one submission).

Conditions:
Schimke immuno-osseous dysplasia (SIOD). Also called: Schimke Immunoosseous Dysplasia. Identifiers: Orphanet 1830, MedGen C0877024, MONDO:0009458, OMIM 242900.

Allele frequency attached by ClinVar (database versions not stated): gnomAD exomes below 0.00001 and 0.00001; TOPMed below 0.00001; ExAC 0.00001.
gnomAD v4.1: 3 of 1,614,108 alleles (0.00019%); highest among the groups gnomAD compares: South Asian, 0.0011%; no homozygotes.

Submission:

Labcorp Genetics (formerly Invitae), Labcorp
Classification: Uncertain significance for Schimke immuno-osseous dysplasia. Last evaluated: 2022-07-14. Review status: criteria provided, single submitter. Criteria: Invitae Variant Classification Sherloc (09022015). Collection method: clinical testing. Allele origin: germline.
Comment: This sequence change replaces threonine, which is neutral and polar, with methionine, which is neutral and non-polar, at codon 296 of the SMARCAL1 protein (p.Thr296Met). This variant is present in population databases (rs755708465, gnomAD 0.002%). This variant has not been reported in the literature in individuals affected with SMARCAL1-related conditions. ClinVar contains an entry for this variant (Variation ID: 1397212). Algorithms developed to predict the effect of missense changes on protein structure and function are either unavailable or do not agree on the potential impact of this missense change (SIFT: "Deleterious"; PolyPhen-2: "Probably Damaging"; Align-GVGD: "Class C0"). In summary, the available evidence is currently insufficient to determine the role of this variant in disease. Therefore, it has been classified as a Variant of Uncertain Significance.

NM_014140.4(SMARCAL1):c.887C>T (p.Thr296Met)

Gene: SMARCAL1 (SNF2 related chromatin remodeling annealing helicase 1; plus strand). Cytogenetic location: 2q35.
Variant type: single nucleotide variant.
Coding change: c.887C>T on transcript NM_014140.4 (MANE Select); coding-DNA position 887, C replaced by T.
Protein change: p.Thr296Met; replaces threonine 296 with methionine.
Molecular consequence: missense variant.
Genome position (GRCh38, 1-based): chr2:216,420,323, C>T. VCF-style: chr2-216420323-C-T. GRCh37 (hg19) VCF-style: chr2-217285046-C-T.
Other names: c.887C>T, p.Thr296Met (NM_001127207.2); short protein forms T296M.
Identifiers: ClinVar variation 1397212 (VCV001397212.3), dbSNP rs755708465, ClinGen allele CA2097732.